The following is an entry in ClinVar:

NM_144651.5(PXDNL):c.3474T>A (p.Val1158=)

Gene: PXDNL (peroxidasin like; minus strand). Cytogenetic location: 8q11.22.
Variant type: single nucleotide variant.
Coding change: c.3474T>A on transcript NM_144651.5 (MANE Select); coding-DNA position 3474, T replaced by A.
Protein change: p.Val1158=; no amino-acid change (valine 1158 retained).
Molecular consequence: synonymous variant.
Genome position (GRCh38, 1-based): chr8:51,408,150, A>T on the plus strand (T>A on the coding strand, the complement: PXDNL is on the minus strand). VCF-style: chr8-51408150-A-T. GRCh37 (hg19) VCF-style: chr8-52320710-A-T.
Identifiers: ClinVar variation 3035713 (VCV003035713.2), dbSNP rs149385606, ClinGen allele CA4744803.

ClinVar aggregate classification (germline): Likely benign (0 of 4 stars; one submission).

Conditions:
PXDNL-related disorder. Also called: PXDNL-related condition.

Allele frequency attached by ClinVar (database versions not stated): 1000 Genomes Project 0.00040; 1000 Genomes Project 30x 0.00047; ESP Exome Variant Server 0.00203; TOPMed 0.00204; ExAC 0.00253; gnomAD 0.00257; gnomAD exomes 0.00336.
gnomAD v4.1: 5,263 of 1,613,636 alleles (0.33%); highest among the groups gnomAD compares: Non-Finnish European, 0.36%; 10 homozygotes.

Submission:

PreventionGenetics, part of Exact Sciences
Classification: Likely benign for PXDNL-related condition. Last evaluated: 2019-03-21. Review status: no assertion criteria provided. Collection method: clinical testing. Allele origin: germline.
Comment: This variant is classified as likely benign based on ACMG/AMP sequence variant interpretation guidelines (Richards et al. 2015 PMID: 25741868, with internal and published modifications).